The following is an entry in ClinVar:

NM_001376.5(DYNC1H1):c.10831C>T (p.Arg3611Trp)

Gene: DYNC1H1 (dynein cytoplasmic 1 heavy chain 1; plus strand). Cytogenetic location: 14q32.31.
Variant type: single nucleotide variant.
Coding change: c.10831C>T on transcript NM_001376.5 (MANE Select); coding-DNA position 10831, C replaced by T.
Protein change: p.Arg3611Trp; replaces arginine 3611 with tryptophan.
Molecular consequence: missense variant.
Genome position (GRCh38, 1-based): chr14:102,036,565, C>T. VCF-style: chr14-102036565-C-T. GRCh37 (hg19) VCF-style: chr14-102502902-C-T.
Other names: short protein forms R3611W.
Identifiers: ClinVar variation 5005282 (VCV005005282.2).

ClinVar aggregate classification (germline): Uncertain significance (1 of 4 stars; one submission).

Conditions:
Cortical dysplasia, complex, with other brain malformations 13. Also called: Intellectual disability, autosomal dominant 13. Identifiers: MedGen C3281202, MONDO:0013805, OMIM 614563.
Autosomal dominant childhood-onset proximal spinal muscular atrophy without contractures. Also called: SPINAL MUSCULAR ATROPHY, CHILDHOOD, PROXIMAL, AUTOSOMAL DOMINANT; SPINAL MUSCULAR ATROPHY, JUVENILE, PROXIMAL, AUTOSOMAL DOMINANT; KUGELBERG-WELANDER SYNDROME, AUTOSOMAL DOMINANT; Spinal muscular atrophy, lower extremity-predominant 1, AD. Identifiers: Orphanet 209341, Orphanet 363447, MedGen C5780022, MONDO:0008026, OMIM 158600.
Charcot-Marie-Tooth disease axonal type 2O. Also called: CHARCOT-MARIE-TOOTH NEUROPATHY, AXONAL, TYPE 2O; CHARCOT-MARIE-TOOTH DISEASE, AXONAL, AUTOSOMAL DOMINANT, TYPE 2O; Charcot-Marie-Tooth Neuropathy Type 2O; Charcot-Marie-Tooth disease, axonal, type 20. Identifiers: Orphanet 284232, MedGen C3280220, MONDO:0013644, OMIM 614228.

gnomAD v4.1: 2 of 1,614,144 alleles (0.00012%); highest among the groups gnomAD compares: Non-Finnish European, 0.00017%; no homozygotes.

Submission:

Juno Genomics, Hangzhou Juno Genomics, Inc
Classification: Uncertain significance for Autosomal dominant childhood-onset proximal spinal muscular atrophy without contractures; Cortical dysplasia, complex, with other brain malformations 13; Charcot-Marie-Tooth disease axonal type 2O. Review status: criteria provided, single submitter. Criteria: ACMG Guidelines, 2015. Collection method: clinical testing. Allele origin: germline.
Comment: Absent from controls (or at extremely low frequency if recessive) in Genome Aggregation Database.;Missense variant in a gene that has a low rate of benign missense variation.